The following is an entry in ClinVar:

NM_002430.3(MN1):c.3767C>G (p.Pro1256Arg)

Gene: MN1 (MN1 proto-oncogene, transcriptional regulator; minus strand). Cytogenetic location: 22q12.1.
Variant type: single nucleotide variant.
Coding change: c.3767C>G on transcript NM_002430.3 (MANE Select); coding-DNA position 3767, C replaced by G.
Protein change: p.Pro1256Arg; replaces proline 1256 with arginine.
Molecular consequence: missense variant.
Genome position (GRCh38, 1-based): chr22:27,796,777, G>C on the plus strand (C>G on the coding strand, the complement: MN1 is on the minus strand). VCF-style: chr22-27796777-G-C. GRCh37 (hg19) VCF-style: chr22-28192765-G-C.
Other names: short protein forms P1256R.
Identifiers: ClinVar variation 3364270 (VCV003364270.1).

ClinVar aggregate classification (germline): Uncertain significance (1 of 4 stars; one submission).

gnomAD v4.1: 13 of 1,599,324 alleles (0.00081%); highest among the groups gnomAD compares: Non-Finnish European, 0.0011%; no homozygotes.

Submission:

GeneDx
Classification: Uncertain significance. Last evaluated: 2023-11-09. Review status: criteria provided, single submitter. Criteria: GeneDx Variant Classification Process June 2021. Collection method: clinical testing. Allele origin: germline. Affected: yes.
Comment: Not observed at significant frequency in large population cohorts (gnomAD); In silico analysis supports that this missense variant has a deleterious effect on protein structure/function; Has not been previously published as pathogenic or benign to our knowledge